The following is an entry in ClinVar:

NM_003324.5(TULP3):c.55G>A (p.Glu19Lys)

Gene: TULP3 (TUB like protein 3; plus strand). Cytogenetic location: 12p13.33.
Variant type: single nucleotide variant.
Coding change: c.55G>A on transcript NM_003324.5 (MANE Select); coding-DNA position 55, G replaced by A.
Protein change: p.Glu19Lys; replaces glutamic acid 19 with lysine.
Molecular consequence: missense variant.
Genome position (GRCh38, 1-based): chr12:2,909,542, G>A. VCF-style: chr12-2909542-G-A. GRCh37 (hg19) VCF-style: chr12-3018708-G-A.
Other names: c.55G>A, p.Glu19Lys (NM_001160408.2); short protein forms E19K.
Identifiers: ClinVar variation 3184876 (VCV003184876.6), dbSNP rs138991083, ClinGen allele CA6392452.
Genomic context (GRCh38, chr12:2,909,542, plus strand): 5'-GGCGTTTTCTTTTTATATACTTGCTTTATTTTTTTTTTTTTTAACAGTGTCTTCCATGAA[G>A]AAATGATGAAGATGCGACAGGCTAAGCTGGATTATCAGGTGAGCAGAGTCTCCTCTTTTG-3'
Protein context (NP_003315.2, residues 9-29): SPSGDSVFHE[Glu19Lys]MMKMRQAKLD

ClinVar aggregate classification (germline): Conflicting classifications of pathogenicity. Review status: criteria provided, conflicting classifications (1 of 4 stars). 2 submissions from 2 submitters: Uncertain significance (1); Likely benign (1). Last evaluated 2026-02-01.

Conditions:
Inborn genetic diseases. Identifiers: MedGen C0950123, MeSH D030342.

Allele frequency attached by ClinVar (database versions not stated): ExAC 0.00018; ESP Exome Variant Server 0.00023; gnomAD 0.00046; gnomAD exomes 0.00046; TOPMed 0.00050.
gnomAD v4.1: 730 of 1,571,046 alleles (0.046%); highest among the groups gnomAD compares: Admixed American, 0.15%; 2 homozygotes.

Submissions (2):

CeGaT Center for Human Genetics Tuebingen
Classification: Likely benign. Last evaluated: 2026-02-01. Review status: criteria provided, single submitter. Criteria: CeGaT Center For Human Genetics Tuebingen Variant Classification Criteria Version 2. Collection method: clinical testing. Allele origin: germline. Affected: yes. Observed: 1 variant allele.
Comment: TULP3: BS2

Ambry Genetics
Classification: Uncertain significance for Inborn genetic diseases. Last evaluated: 2025-11-24. Review status: criteria provided, single submitter. Criteria: Ambry Variant Classification Scheme 2023. Collection method: clinical testing. Allele origin: germline.